The following is an entry in ClinVar:

ClinVar aggregate classification (germline): Benign (1 of 4 stars; one submission).

Allele frequency attached by ClinVar (database versions not stated): gnomAD exomes 0.50654; gnomAD 0.53810; TOPMed 0.54325; 1000 Genomes Project 30x 0.58417; 1000 Genomes Project 0.58706.
gnomAD v4.1: 749,305 of 1,469,002 alleles (51%); highest among the groups gnomAD compares: East Asian, 62%; 193,789 homozygotes.

Submission:

Unidad de Genómica Garrahan, Hospital de Pediatría Garrahan
Classification: Benign. Last evaluated: 2024-01-24. Review status: criteria provided, single submitter. Criteria: ACMG Guidelines, 2015. Collection method: clinical testing. Allele origin: germline. Affected: no. Observed: 36 variant alleles.
Comment: This variant is classified as Benign based on local population frequency. This variant was detected in 38% of patients studied by a panel of primary immunodeficiencies. Number of patients: 36. Only high quality variants are reported.

NM_004946.3(DOCK2):c.3757-88A>G

Gene: DOCK2 (dedicator of cytokinesis 2; plus strand). Cytogenetic location: 5q35.1.
Variant type: single nucleotide variant.
Coding change: c.3757-88A>G on transcript NM_004946.3 (MANE Select); 88 bases into the intron before coding-DNA position 3757, A replaced by G.
Molecular consequence: intron variant.
Genome position (GRCh38, 1-based): chr5:170,041,925, A>G. VCF-style: chr5-170041925-A-G. GRCh37 (hg19) VCF-style: chr5-169468929-A-G.
Identifiers: ClinVar variation 2688194 (VCV002688194.2), dbSNP rs2270897, ClinGen allele CA11988864.